The following is an entry in ClinVar:

NM_000051.4(ATM):c.2902G>T (p.Glu968Ter)

Gene: ATM (ATM serine/threonine kinase; plus strand). Cytogenetic location: 11q22.3.
Variant type: single nucleotide variant.
Coding change: c.2902G>T on transcript NM_000051.4 (MANE Select); coding-DNA position 2902, G replaced by T.
Protein change: p.Glu968Ter; replaces glutamic acid 968 with a stop codon.
Molecular consequence: nonsense.
Genome position (GRCh38, 1-based): chr11:108,271,127, G>T. VCF-style: chr11-108271127-G-T. GRCh37 (hg19) VCF-style: chr11-108141854-G-T.
Other names: c.2902G>T, p.Glu968Ter (NM_001351834.2); short protein forms E968*.
Identifiers: ClinVar variation 478956 (VCV000478956.15), dbSNP rs1555084723, ClinGen allele CA382546939.

ClinVar aggregate classification (germline): Pathogenic. Review status: criteria provided, multiple submitters, no conflicts (2 of 4 stars). 3 submissions from 3 submitters: Pathogenic (3). Last evaluated 2025-09-29.

Conditions:
Hereditary cancer-predisposing syndrome. Also called: Tumor predisposition; Neoplastic Syndromes, Hereditary; Hereditary Cancer Syndrome; Hereditary neoplastic syndrome. Identifiers: Orphanet 140162, MedGen C0027672, MeSH D009386, MONDO:0015356.
Familial cancer of breast. Also called: BREAST CANCER, FAMILIAL; Hereditary breast cancer; hereditary breast carcinoma. Identifiers: Orphanet 227535, MedGen C0346153, MONDO:0016419, OMIM 114480. Disease mechanism: loss of function.
Ataxia-telangiectasia syndrome (AT). Also called: Cerebello-oculocutaneous telangiectasia; Immunodeficiency with ataxia telangiectasia; ATAXIA-TELANGIECTASIA, COMPLEMENTATION GROUP A; Ataxia-telangiectasia, complementation group D; AT, COMPLEMENTATION GROUP C; ATAXIA-TELANGIECTASIA, FRESNO VARIANT. Identifiers: Orphanet 100, MedGen C0004135, MONDO:0008840, OMIM 208900.

Submissions (3):

Myriad Genetics, Inc.
Classification: Pathogenic for Familial cancer of breast. Last evaluated: 2025-09-29. Review status: criteria provided, single submitter. Criteria: Myriad Autosomal Dominant, Autosomal Recessive and X-Linked Classification Criteria (2023). Collection method: clinical testing. Allele origin: unknown.
Comment: This variant is considered pathogenic. This variant creates a termination codon and is predicted to result in premature protein truncation.

Labcorp Genetics (formerly Invitae), Labcorp
Classification: Pathogenic for Ataxia-telangiectasia syndrome. Last evaluated: 2024-04-23. Review status: criteria provided, single submitter. Criteria: Invitae Variant Classification Sherloc (09022015). Collection method: clinical testing. Allele origin: germline.
Comment: This sequence change creates a premature translational stop signal (p.Glu968*) in the ATM gene. It is expected to result in an absent or disrupted protein product. Loss-of-function variants in ATM are known to be pathogenic (PMID: 23807571, 25614872). This variant is not present in population databases (gnomAD no frequency). This premature translational stop signal has been observed in individual(s) with clinical features of ataxia-telangiectasia (PMID: 27664052). ClinVar contains an entry for this variant (Variation ID: 478956). Algorithms developed to predict the effect of sequence changes on RNA splicing suggest that this variant may disrupt the consensus splice site. For these reasons, this variant has been classified as Pathogenic.

Ambry Genetics
Classification: Pathogenic for Hereditary cancer-predisposing syndrome. Last evaluated: 2016-03-01. Review status: criteria provided, single submitter. Criteria: Ambry Variant Classification Scheme 2023. Collection method: clinical testing. Allele origin: germline.
Comment: The p.E968* pathogenic mutation (also known as c.2902G>T), located in coding exon 18 of the ATM gene, results from a G to T substitution at nucleotide position 2902. This changes the amino acid from a glutamic acid to a stop codon within coding exon 18. Since premature stop codons are typically deleterious in nature, this alteration is interpreted as a disease-causing mutation (ACMG Recommendations for Standards for Interpretation and Reporting of Sequence Variations. Revision 2007. Genet Med. 2008;10:294).

Literature cited by the submitters: PubMed 23807571 (cited by Labcorp Genetics (formerly Invitae), Labcorp); PubMed 25614872 (cited by Labcorp Genetics (formerly Invitae), Labcorp); PubMed 27664052 (cited by Labcorp Genetics (formerly Invitae), Labcorp).